The following is an entry in ClinVar:

NM_025099.6(CTC1):c.744T>G (p.Ser248=)

Gene: CTC1 (CST telomere replication complex component 1; minus strand). Cytogenetic location: 17p13.1.
Variant type: single nucleotide variant.
Coding change: c.744T>G on transcript NM_025099.6 (MANE Select); coding-DNA position 744, T replaced by G.
Protein change: p.Ser248=; no amino-acid change (serine 248 retained).
Molecular consequence: synonymous variant.
Genome position (GRCh38, 1-based): chr17:8,237,423, A>C on the plus strand (T>G on the coding strand, the complement: CTC1 is on the minus strand). VCF-style: chr17-8237423-A-C. GRCh37 (hg19) VCF-style: chr17-8140741-A-C.
Identifiers: ClinVar variation 1140250 (VCV001140250.33), dbSNP rs1219363352, ClinGen allele CA497782510.
Genomic context (GRCh38, chr17:8,237,423, plus strand): 5'-CCCAGTCCTCACCTGCACGATGATGGACACGTGGGTGACAGCTGGGTGTGATCTACCAAG[A>C]GACAGGATGAAGTAAGCTTTCTGTTTACTTTTCACCAGAGCACTCAATCGAACTAGACTC-3'
Protein context (NP_079375.3, residues 238-258): KSKQKAYFIL[Ser248=]LGRSHPAVTH

ClinVar aggregate classification (germline): Likely benign. Review status: criteria provided, multiple submitters, no conflicts (2 of 4 stars). 3 submissions from 3 submitters: Likely benign (3). Last evaluated 2026-01-19.

Conditions:
Dyskeratosis congenita. Identifiers: Orphanet 1775, MedGen C0265965, MONDO:0015780.

Allele frequency attached by ClinVar (database versions not stated): gnomAD exomes below 0.00001 and 0.00001; gnomAD 0.00001; TOPMed 0.00001.
gnomAD v4.1: 6 of 1,613,962 alleles (0.00037%); highest among the groups gnomAD compares: Non-Finnish European, 0.00051%; no homozygotes.

Submissions (3):

Labcorp Genetics (formerly Invitae), Labcorp
Classification: Likely benign for Dyskeratosis congenita. Last evaluated: 2026-01-19. Review status: criteria provided, single submitter. Criteria: Invitae Variant Classification Sherloc (09022015). Collection method: clinical testing. Allele origin: germline.

CeGaT Center for Human Genetics Tuebingen
Classification: Likely benign. Last evaluated: 2022-12-01. Review status: criteria provided, single submitter. Criteria: CeGaT Center For Human Genetics Tuebingen Variant Classification Criteria Version 2. Collection method: clinical testing. Allele origin: germline. Affected: yes. Observed: 1 variant allele.
Comment: CTC1: BP4, BP7

Sema4
Classification: Likely benign for Dyskeratosis congenita. Last evaluated: 2021-11-15. Review status: criteria provided, single submitter. Criteria: Sema4 Curation Guidelines. Collection method: curation. Allele origin: germline.